The following is an entry in ClinVar:

ClinVar aggregate classification (germline): Uncertain significance (1 of 4 stars; one submission).

Submission:

GeneDx
Classification: Uncertain significance. Last evaluated: 2017-09-19. Review status: criteria provided, single submitter. Criteria: GeneDx Variant Classification (06012015). Collection method: clinical testing. Allele origin: germline. Affected: yes.
Comment: A variant of uncertain significance has been identified in the EFEMP2 gene. The c.1279_1289del11 variant has not been published as pathogenic or been reported as benign to our knowledge. This variant is not observed in large population cohorts (Lek et al., 2016; 1000 Genomes Consortium et al., 2015; Exome Variant Server). The c.1279_1289del11 variant causes a shift in reading frame starting at codon arginine (Arg), changing it to a cysteine (Cys), and replacing the last 17 amino acids of the protein with 26 incorrect amino acids. Nevertheless, in the absence of functional studies, the physiological consequence of this variant cannot be determined.

NM_016938.5(EFEMP2):c.1279_1289del (p.Arg427fs)

Genes: MUS81 (MUS81 structure-specific endonuclease subunit; plus strand), EFEMP2 (EGF containing fibulin extracellular matrix protein 2; minus strand). Cytogenetic location: 11q13.1.
Variant type: Deletion.
Coding change: c.1279_1289del on transcript NM_016938.5 (MANE Select); coding-DNA positions 1279 to 1289, 11 bases deleted (CGGGCCAGCTC).
Protein change: p.Arg427fs; shifts the reading frame from arginine 427.
Molecular consequence: frameshift variant. On other transcripts: non-coding transcript variant (1).
Genome position (GRCh38, 1-based): chr11:65,866,961-65,866,971, GAGCTGGCCCG deleted on the plus strand (CGGGCCAGCTC on the coding strand, the reverse complement: EFEMP2 is on the minus strand); deleting any 11 consecutive bases within chr11:65,866,961-65,866,972 gives the same sequence; the c. name uses the placement nearest the transcript's 3' end. VCF-style (leftmost placement, unchanged base first): chr11-65866960-AGAGCTGGCCCG-A. GRCh37 (hg19) VCF-style: chr11-65634431-AGAGCTGGCCCG-A.
Other names: short protein forms R427fs.
Identifiers: ClinVar variation 452179 (VCV000452179.2), dbSNP rs1555042450, ClinGen allele CA658658071.